The following is an entry in ClinVar:

NM_003628.6(PKP4):c.965A>G (p.Gln322Arg)

Gene: PKP4 (plakophilin 4; plus strand). Cytogenetic location: 2q24.1.
Variant type: single nucleotide variant.
Coding change: c.965A>G on transcript NM_003628.6 (MANE Select); coding-DNA position 965, A replaced by G.
Protein change: p.Gln322Arg; replaces glutamine 322 with arginine.
Molecular consequence: missense variant. On other transcripts: 5 prime UTR variant (1).
Genome position (GRCh38, 1-based): chr2:158,625,239, A>G. VCF-style: chr2-158625239-A-G. GRCh37 (hg19) VCF-style: chr2-159481751-A-G.
Other names: c.965A>G, p.Gln322Arg (NM_001005476.4, NM_001304969.3, NM_001304971.2 and 6 more transcripts); c.-62A>G (NM_001304970.3); c.959A>G, p.Gln320Arg (NM_001377222.1, NM_001377223.1, NM_001377224.1); short protein forms Q320R, Q322R.
Identifiers: ClinVar variation 3889677 (VCV003889677.1).

ClinVar aggregate classification (germline): Uncertain significance (1 of 4 stars; one submission).

gnomAD v4.1: 22 of 1,614,208 alleles (0.0014%); highest among the groups gnomAD compares: African/African-American, 0.0027%; no homozygotes.

Submission:

Ambry Genetics
Classification: Uncertain significance. Last evaluated: 2025-03-09. Review status: criteria provided, single submitter. Criteria: Ambry Variant Classification Scheme 2023. Collection method: clinical testing. Allele origin: germline.
Comment: The p.Q322R variant (also known as c.965A>G), located in coding exon 6 of the PKP4 gene, results from an A to G substitution at nucleotide position 965. The glutamine at codon 322 is replaced by arginine, an amino acid with highly similar properties. This amino acid position is conserved. In addition, this alteration is predicted to be tolerated by in silico analysis. Based on the available evidence, the clinical significance of this variant remains unclear.